The following is an entry in ClinVar:

NM_024105.4(ALG12):c.1192G>A (p.Ala398Thr)

Gene: ALG12 (ALG12 alpha-1,6-mannosyltransferase; minus strand). Cytogenetic location: 22q13.33.
Variant type: single nucleotide variant.
Coding change: c.1192G>A on transcript NM_024105.4 (MANE Select); coding-DNA position 1192, G replaced by A.
Protein change: p.Ala398Thr; replaces alanine 398 with threonine.
Molecular consequence: missense variant.
Genome position (GRCh38, 1-based): chr22:49,904,225, C>T on the plus strand (G>A on the coding strand, the complement: ALG12 is on the minus strand). VCF-style: chr22-49904225-C-T. GRCh37 (hg19) VCF-style: chr22-50297873-C-T.
Other names: c.1192G>A (NM_024105.3); short protein forms A398T.
Identifiers: ClinVar variation 1432980 (VCV001432980.5), dbSNP rs773892105, ClinGen allele CA10300301.

ClinVar aggregate classification (germline): Uncertain significance. Review status: criteria provided, multiple submitters, no conflicts (2 of 4 stars). 2 submissions from 2 submitters: Uncertain significance (2). Last evaluated 2025-09-28.

Conditions:
ALG12-congenital disorder of glycosylation (CDG1G). Also called: CDG Ig; ALG12-CDG; Congenital disorder of glycosylation, type Ig. Identifiers: Orphanet 79324, MedGen C2931001, MONDO:0011783, OMIM 607143.
Inborn genetic diseases. Identifiers: MedGen C0950123, MeSH D030342.

Allele frequency attached by ClinVar (database versions not stated): ExAC 0.00001; gnomAD 0.00001 and 0.00007; gnomAD exomes 0.00002 and 0.00003; TOPMed 0.00007.
gnomAD v4.1: 32 of 1,613,976 alleles (0.002%); highest among the groups gnomAD compares: Middle Eastern, 0.016%; 1 homozygote.

Submissions (2):

Ambry Genetics
Classification: Uncertain significance for Inborn genetic diseases. Last evaluated: 2025-09-28. Review status: criteria provided, single submitter. Criteria: Ambry Variant Classification Scheme 2023. Collection method: clinical testing. Allele origin: germline.

Labcorp Genetics (formerly Invitae), Labcorp
Classification: Uncertain significance for ALG12-congenital disorder of glycosylation. Last evaluated: 2024-10-17. Review status: criteria provided, single submitter. Criteria: Invitae Variant Classification Sherloc (09022015). Collection method: clinical testing. Allele origin: germline.
Comment: This sequence change replaces alanine, which is neutral and non-polar, with threonine, which is neutral and polar, at codon 398 of the ALG12 protein (p.Ala398Thr). This variant is present in population databases (rs773892105, gnomAD 0.01%), including at least one homozygous and/or hemizygous individual. This variant has not been reported in the literature in individuals affected with ALG12-related conditions. ClinVar contains an entry for this variant (Variation ID: 1432980). Invitae Evidence Modeling of protein sequence and biophysical properties (such as structural, functional, and spatial information, amino acid conservation, physicochemical variation, residue mobility, and thermodynamic stability) indicates that this missense variant is not expected to disrupt ALG12 protein function with a negative predictive value of 80%. In summary, the available evidence is currently insufficient to determine the role of this variant in disease. Therefore, it has been classified as a Variant of Uncertain Significance.